The following is an entry in ClinVar:

NM_002691.4(POLD1):c.10A>C (p.Lys4Gln)

Gene: POLD1 (DNA polymerase delta 1, catalytic subunit; plus strand). Cytogenetic location: 19q13.33.
Variant type: single nucleotide variant.
Coding change: c.10A>C on transcript NM_002691.4 (MANE Select); coding-DNA position 10, A replaced by C.
Protein change: p.Lys4Gln; replaces lysine 4 with glutamine.
Molecular consequence: missense variant. On other transcripts: non-coding transcript variant (1).
Genome position (GRCh38, 1-based): chr19:50,398,861, A>C. VCF-style: chr19-50398861-A-C. GRCh37 (hg19) VCF-style: chr19-50902118-A-C.
Other names: c.10A>C, p.Lys4Gln (NM_001256849.1, NM_001308632.1); c.10A>C (NM_002691.2); short protein forms K4Q.
Identifiers: ClinVar variation 848509 (VCV000848509.10), dbSNP rs2038468125, ClinGen allele CA406969971.
Genomic context (GRCh38, chr19:50,398,861, plus strand): 5'-AAGAGGTGTCTCCGGTCAGAACCTCCACCAAGCTCCAACTTGCCCAGCAGGATGGATGGC[A>C]AGCGGCGGCCAGGCCCAGGGCCCGGGGTGCCCCCAAAGCGGGCCCGTGGGGGCCTCTGGG-3'
Protein context (NP_002682.2, residues 1-14): MDG[Lys4Gln]RRPGPGPGVP

ClinVar aggregate classification (germline): Uncertain significance. Review status: criteria provided, multiple submitters, no conflicts (2 of 4 stars). 2 submissions from 2 submitters: Uncertain significance (2). Last evaluated 2025-07-14.

Conditions:
Hereditary cancer-predisposing syndrome. Also called: Tumor predisposition; Hereditary Cancer Syndrome; Hereditary neoplastic syndrome; Neoplastic Syndromes, Hereditary. Identifiers: Orphanet 140162, MedGen C0027672, MeSH D009386, MONDO:0015356.
POLD1-related polyposis and colorectal cancer syndrome (CRCS10). Also called: Colorectal cancer 10; COLORECTAL CANCER, SUSCEPTIBILITY TO, ON CHROMOSOME 19q; Colorectal cancer, susceptibility to, 10. Identifiers: Orphanet 220460, MedGen C2675481, MONDO:0012953, OMIM 612591.

Submissions (2):

Ambry Genetics
Classification: Uncertain significance for Hereditary cancer-predisposing syndrome. Last evaluated: 2025-07-14. Review status: criteria provided, single submitter. Criteria: Ambry Variant Classification Scheme 2023. Collection method: clinical testing. Allele origin: germline.
Comment: The p.K4Q variant (also known as c.10A>C), located in coding exon 1 of the POLD1 gene, results from an A to C substitution at nucleotide position 10. The lysine at codon 4 is replaced by glutamine, an amino acid with similar properties. This amino acid position is conserved. In addition, this alteration is predicted to be tolerated by in silico analysis. Based on the available evidence, the clinical significance of this variant remains unclear.

Labcorp Genetics (formerly Invitae), Labcorp
Classification: Uncertain significance for POLD1-related polyposis and colorectal cancer syndrome. Last evaluated: 2025-02-02. Review status: criteria provided, single submitter. Criteria: Invitae Variant Classification Sherloc (09022015). Collection method: clinical testing. Allele origin: germline.
Comment: This sequence change replaces lysine, which is basic and polar, with glutamine, which is neutral and polar, at codon 4 of the POLD1 protein (p.Lys4Gln). This variant is not present in population databases (gnomAD no frequency). This variant has not been reported in the literature in individuals affected with POLD1-related conditions. ClinVar contains an entry for this variant (Variation ID: 848509). Experimental studies and prediction algorithms are not available or were not evaluated, and the functional significance of this variant is currently unknown. In summary, the available evidence is currently insufficient to determine the role of this variant in disease. Therefore, it has been classified as a Variant of Uncertain Significance.